The following is an entry in ClinVar:

ClinVar aggregate classification (germline): Uncertain significance. Review status: criteria provided, multiple submitters, no conflicts (2 of 4 stars). 2 submissions from 2 submitters: Uncertain significance (2). Last evaluated 2025-10-29.

Conditions:
Hereditary cancer-predisposing syndrome. Also called: Neoplastic Syndromes, Hereditary; Hereditary Cancer Syndrome; Hereditary neoplastic syndrome; Tumor predisposition. Identifiers: Orphanet 140162, MedGen C0027672, MeSH D009386, MONDO:0015356.
Gorlin syndrome. Also called: Nevoid Basal Cell Carcinoma Syndrome; Basal cell nevus syndrome. Identifiers: Orphanet 377, MedGen C0004779, MONDO:0007187.
Medulloblastoma (MDB). Also called: MEDULLOBLASTOMA PREDISPOSITION SYNDROME; Medulloblastoma, somatic. Identifiers: Orphanet 616, MedGen C0025149, MeSH D008527, MONDO:0007959, OMIM 155255, HP:0002885.

Submissions (2):

Ambry Genetics
Classification: Uncertain significance for Hereditary cancer-predisposing syndrome. Last evaluated: 2025-10-29. Review status: criteria provided, single submitter. Criteria: Ambry Variant Classification Scheme 2023. Collection method: clinical testing. Allele origin: germline.

Labcorp Genetics (formerly Invitae), Labcorp
Classification: Uncertain significance for Gorlin syndrome; Medulloblastoma. Last evaluated: 2025-01-23. Review status: criteria provided, single submitter. Criteria: Invitae Variant Classification Sherloc (09022015). Collection method: clinical testing. Allele origin: germline.
Comment: This sequence change replaces isoleucine, which is neutral and non-polar, with threonine, which is neutral and polar, at codon 259 of the SUFU protein (p.Ile259Thr). This variant is not present in population databases (gnomAD no frequency). This variant has not been reported in the literature in individuals affected with SUFU-related conditions. ClinVar contains an entry for this variant (Variation ID: 827248). Invitae Evidence Modeling of protein sequence and biophysical properties (such as structural, functional, and spatial information, amino acid conservation, physicochemical variation, residue mobility, and thermodynamic stability) indicates that this missense variant is not expected to disrupt SUFU protein function with a negative predictive value of 80%. In summary, the available evidence is currently insufficient to determine the role of this variant in disease. Therefore, it has been classified as a Variant of Uncertain Significance.

NM_016169.4(SUFU):c.776T>C (p.Ile259Thr)

Gene: SUFU (SUFU negative regulator of hedgehog signaling; plus strand). Cytogenetic location: 10q24.32.
Variant type: single nucleotide variant.
Coding change: c.776T>C on transcript NM_016169.4 (MANE Select); coding-DNA position 776, T replaced by C.
Protein change: p.Ile259Thr; replaces isoleucine 259 with threonine.
Molecular consequence: missense variant.
Genome position (GRCh38, 1-based): chr10:102,597,159, T>C. VCF-style: chr10-102597159-T-C. GRCh37 (hg19) VCF-style: chr10-104356916-T-C.
Other names: c.776T>C, p.Ile259Thr (NM_001178133.2); short protein forms I259T.
Identifiers: ClinVar variation 827248 (VCV000827248.8), dbSNP rs1590065889, ClinGen allele CA377910317.